The following is an entry in ClinVar:

ClinVar aggregate classification (germline): Benign/Likely benign. Review status: criteria provided, multiple submitters, no conflicts (2 of 4 stars). 2 submissions from 2 submitters: Benign (1); Likely benign (1). Last evaluated 2024-02-15.

Conditions:
Occult macular dystrophy (OCMD). Also called: OMD; OCCULT MACULAR DYSTROPHY, SUSCEPTIBILITY TO. Identifiers: Orphanet 247834, MedGen C3150833, MONDO:0013316, OMIM 613587, HP:0030636.

Allele frequency attached by ClinVar (database versions not stated): ExAC 0.00017; gnomAD 0.00040.

Submissions (2):

Blueprint Genetics
Classification: Likely benign. Last evaluated: 2024-02-15. Review status: criteria provided, single submitter. Criteria: ACMG Guidelines, 2015. Collection method: clinical testing. Allele origin: germline.

Illumina Laboratory Services, Illumina
Classification: Benign for Occult macular dystrophy. Last evaluated: 2018-01-12. Review status: criteria provided, single submitter. Criteria: ICSL Variant Classification Criteria 13 December 2019. Collection method: clinical testing. Allele origin: germline.
Comment: This variant was observed in the ICSL laboratory as part of a predisposition screen in an ostensibly healthy population. It had not been previously curated by ICSL or reported in the Human Gene Mutation Database (HGMD: prior to June 1st, 2018), and was therefore a candidate for classification through an automated scoring system. Utilizing variant allele frequency, disease prevalence and penetrance estimates, and inheritance mode, an automated score was calculated to assess if this variant is too frequent to cause the disease. Based on the score and internal cut-off values, a variant classified as benign is not then subjected to further curation. The score for this variant resulted in a classification of benign for this disease.

NM_178857.6(RP1L1):c.5589T>A (p.Ala1863=)

Gene: RP1L1 (RP1 like 1). Cytogenetic location: 8p23.1.
Variant type: single nucleotide variant.
Coding change: c.5589T>A on transcript NM_178857.6 (MANE Select); coding-DNA position 5589, T replaced by A.
Protein change: p.Ala1863=; no amino-acid change (alanine 1863 retained).
Molecular consequence: synonymous variant.
Genome position (GRCh38, 1-based): chr8:10,608,509, A>T on the plus strand (T>A on the coding strand, the complement: RP1L1 is on the minus strand). VCF-style: chr8-10608509-A-T. GRCh37 (hg19) VCF-style: chr8-10466019-A-T.
Identifiers: ClinVar variation 361249 (VCV000361249.6), dbSNP rs199577777, ClinGen allele CA4623603.